The following is an entry in ClinVar:

ClinVar aggregate classification (germline): Uncertain significance. Review status: criteria provided, multiple submitters, no conflicts (2 of 4 stars). 7 submissions from 5 submitters: Uncertain significance (7). Last evaluated 2026-01-26.

Conditions:
Inborn genetic diseases. Identifiers: MedGen C0950123, MeSH D030342.
Charcot-Marie-Tooth disease axonal type 2X. Also called: CHARCOT-MARIE-TOOTH DISEASE, AXONAL, AUTOSOMAL RECESSIVE, TYPE 2X; CHARCOT-MARIE-TOOTH NEUROPATHY, TYPE 2X. Identifiers: Orphanet 466775, MedGen C5569024, MONDO:0014726, OMIM 616668.
Amyotrophic lateral sclerosis type 5 (ALS5). Also called: AMYOTROPHIC LATERAL SCLEROSIS 5, JUVENILE. Identifiers: Orphanet 300605, MedGen C1865864, MONDO:0011196, OMIM 602099.
Hereditary spastic paraplegia 11. Also called: Spastic Paraplegia 11; Spastic paraplegia, mental retardation and thin corpus callosum; Nakamura Osame syndrome; Autosomal recessive hereditary spastic paraplegia, mental impairment, and thin corpus callosum; SPASTIC PARAPLEGIA, AUTOSOMAL RECESSIVE, COMPLICATED, WITH THIN CORPUS CALLOSUM; SPASTIC PARAPLEGIA, AUTOSOMAL RECESSIVE, WITH MENTAL IMPAIRMENT AND THIN CORPUS CALLOSUM. Identifiers: Orphanet 2822, MedGen C1858479, MONDO:0011445, OMIM 604360.

Allele frequency attached by ClinVar (database versions not stated): TOPMed 0.00002.
gnomAD v4.1: 9 of 1,595,384 alleles (0.00056%); highest among the groups gnomAD compares: East Asian, 0.0022%; no homozygotes.

Submissions (7):

Labcorp Genetics (formerly Invitae), Labcorp
Classification: Uncertain significance for Hereditary spastic paraplegia 11. Last evaluated: 2026-01-26. Review status: criteria provided, single submitter. Criteria: Invitae Variant Classification Sherloc (09022015). Collection method: clinical testing. Allele origin: germline.
Comment: This sequence change replaces glutamic acid, which is acidic and polar, with glycine, which is neutral and non-polar, at codon 5 of the SPG11 protein (p.Glu5Gly). This variant is not present in population databases (gnomAD no frequency). This variant has not been reported in the literature in individuals affected with SPG11-related conditions. ClinVar contains an entry for this variant (Variation ID: 406524). Experimental studies and prediction algorithms are not available or were not evaluated, and the functional significance of this variant is currently unknown. In summary, the available evidence is currently insufficient to determine the role of this variant in disease. Therefore, it has been classified as a Variant of Uncertain Significance.

Ambry Genetics
Classification: Uncertain significance for Inborn genetic diseases. Last evaluated: 2023-08-15. Review status: criteria provided, single submitter. Criteria: Ambry Variant Classification Scheme 2023. Collection method: clinical testing. Allele origin: germline.

Mayo Clinic Laboratories, Mayo Clinic
Classification: Uncertain significance. Last evaluated: 2023-02-01. Review status: criteria provided, single submitter. Criteria: ACMG Guidelines, 2015. Collection method: clinical testing. Allele origin: germline. Observed: 1 variant allele.
Comment: BP4, PM2

GeneDx
Classification: Uncertain significance. Last evaluated: 2019-06-26. Review status: criteria provided, single submitter. Criteria: GeneDx Variant Classification Process June 2021. Collection method: clinical testing. Allele origin: germline. Affected: yes.
Comment: Not observed in large population cohorts (Lek et al., 2016); In silico analysis, which includes protein predictors and evolutionary conservation, supports that this variant does not alter protein structure/function; Has not been previously published as pathogenic or benign to our knowledge

Genome-Nilou Lab
Classification: Uncertain significance for Amyotrophic lateral sclerosis type 5. Review status: criteria provided, single submitter. Criteria: ACMG Guidelines, 2015. Collection method: clinical testing. Allele origin: germline.

Genome-Nilou Lab
Classification: Uncertain significance for Charcot-Marie-Tooth disease axonal type 2X. Review status: criteria provided, single submitter. Criteria: ACMG Guidelines, 2015. Collection method: clinical testing. Allele origin: germline.

Genome-Nilou Lab
Classification: Uncertain significance for Hereditary spastic paraplegia 11. Review status: criteria provided, single submitter. Criteria: ACMG Guidelines, 2015. Collection method: clinical testing. Allele origin: germline.

NM_025137.4(SPG11):c.14A>G (p.Glu5Gly)

Gene: SPG11 (SPG11 vesicle trafficking associated, spatacsin; minus strand). Cytogenetic location: 15q21.1.
Variant type: single nucleotide variant.
Coding change: c.14A>G on transcript NM_025137.4 (MANE Select); coding-DNA position 14, A replaced by G.
Protein change: p.Glu5Gly; replaces glutamic acid 5 with glycine.
Molecular consequence: missense variant.
Genome position (GRCh38, 1-based): chr15:44,663,634, T>C on the plus strand (A>G on the coding strand, the complement: SPG11 is on the minus strand). VCF-style: chr15-44663634-T-C. GRCh37 (hg19) VCF-style: chr15-44955832-T-C.
Other names: p.Glu5Gly; c.14A>G, p.Glu5Gly (NM_001160227.2); short protein forms E5G.
Identifiers: ClinVar variation 406524 (VCV000406524.14), dbSNP rs911119510, ClinGen allele CA16614776.